The following is an entry in ClinVar:

NM_032776.3(JMJD1C):c.2862T>C (p.His954=)

Gene: JMJD1C (jumonji domain containing 1C; minus strand). Cytogenetic location: 10q21.3.
Variant type: single nucleotide variant.
Coding change: c.2862T>C on transcript NM_032776.3 (MANE Select); coding-DNA position 2862, T replaced by C.
Protein change: p.His954=; no amino-acid change (histidine 954 retained).
Molecular consequence: synonymous variant. On other transcripts: non-coding transcript variant (1).
Genome position (GRCh38, 1-based): chr10:63,209,068, A>G on the plus strand (T>C on the coding strand, the complement: JMJD1C is on the minus strand). VCF-style: chr10-63209068-A-G. GRCh37 (hg19) VCF-style: chr10-64968828-A-G.
Other names: c.2316T>C, p.His772= (NM_001282948.2, NM_001318154.2); c.1998T>C, p.His666= (NM_001318153.2); c.2748T>C, p.His916= (NM_001322252.2); c.2205T>C, p.His735= (NM_001322254.2, NM_001322258.2).
Identifiers: ClinVar variation 707124 (VCV000707124.34), dbSNP rs370649422, ClinGen allele CA5518548.

ClinVar aggregate classification (germline): Likely benign. Review status: criteria provided, multiple submitters, no conflicts (2 of 4 stars). 2 submissions from 2 submitters: Likely benign (2). Last evaluated 2025-08-21.

Conditions:
Early Myoclonic Encephalopathy. Identifiers: MedGen C0270855.

Allele frequency attached by ClinVar (database versions not stated): gnomAD 0.00007 and 0.00011; ESP Exome Variant Server 0.00008; gnomAD exomes 0.00008 and 0.00010; TOPMed 0.00011; ExAC 0.00012.
gnomAD v4.1: 152 of 1,611,812 alleles (0.0094%); highest among the groups gnomAD compares: Middle Eastern, 0.016%; no homozygotes.

Submissions (2):

Labcorp Genetics (formerly Invitae), Labcorp
Classification: Likely benign for Early Myoclonic Encephalopathy. Last evaluated: 2025-08-21. Review status: criteria provided, single submitter. Criteria: Invitae Variant Classification Sherloc (09022015). Collection method: clinical testing. Allele origin: germline.

CeGaT Center for Human Genetics Tuebingen
Classification: Likely benign. Last evaluated: 2023-07-01. Review status: criteria provided, single submitter. Criteria: CeGaT Center For Human Genetics Tuebingen Variant Classification Criteria Version 2. Collection method: clinical testing. Allele origin: germline. Affected: yes. Observed: 1 variant allele.
Comment: JMJD1C: BP4, BP7